The following is an entry in ClinVar:

ClinVar aggregate classification (germline): Pathogenic. Review status: reviewed by expert panel (3 of 4 stars). 3 submissions from 3 submitters: Pathogenic (1). 2 of the submissions do not count toward it. Last evaluated 2016-10-18.

Conditions:
Hereditary breast ovarian cancer syndrome. Also called: Hereditary breast and ovarian cancer syndrome (HBOC); Breast and ovarian cancer; Hereditary breast and ovarian cancer syndrome; Hereditary breast and ovarian cancer; BRCA1- and BRCA2-Associated Hereditary Breast and Ovarian Cancer; Hereditary breast and/or ovarian cancer syndrome. Identifiers: Orphanet 145, MedGen C0677776, MeSH D061325, MONDO:0003582. Disease mechanism: loss of function.
Breast-ovarian cancer, familial, susceptibility to, 1 (BROVCA1). Also called: BRCA1 Hereditary Breast and Ovarian Cancer; OVARIAN CANCER, SUSCEPTIBILITY TO. Identifiers: Orphanet 145, MedGen C2676676, MONDO:0011450, OMIM 604370. Disease mechanism: loss of function.

Submissions (3):

Evidence-based Network for the Interpretation of Germline Mutant Alleles (ENIGMA)
Classification: Pathogenic for Breast-ovarian cancer, familial, susceptibility to, 1. Last evaluated: 2016-10-18. Review status: reviewed by expert panel. Criteria: ENIGMA BRCA1/2 Classification Criteria (2015). Collection method: curation. Allele origin: germline.
Comment: Variant allele predicted to encode a truncated non-functional protein.

Labcorp Genetics (formerly Invitae), Labcorp
Classification: Pathogenic for Hereditary breast ovarian cancer syndrome. Last evaluated: 2018-01-04. Review status: criteria provided, single submitter. Criteria: Invitae Variant Classification Sherloc (09022015). Collection method: clinical testing. Allele origin: germline. Not counted in ClinVar's aggregate classification.
Comment: For these reasons, this variant has been classified as Pathogenic. Loss-of-function variants in BRCA1 are known to be pathogenic (PMID: 20104584). This variant has been reported in individuals in the Leiden Open-source Variation Database (PMID: 21520333). ClinVar contains an entry for this variant (Variation ID: 266386). This variant is not present in population databases (ExAC no frequency). This sequence change creates a premature translational stop signal (p.Ser1191Alafs*19) in the BRCA1 gene. It is expected to result in an absent or disrupted protein product.

Consortium of Investigators of Modifiers of BRCA1/2 (CIMBA), c/o University of Cambridge
Classification: Pathogenic for Breast-ovarian cancer, familial, susceptibility to, 1. Last evaluated: 2015-10-02. Review status: criteria provided, single submitter. Criteria: CIMBA Mutation Classification guidelines May 2016. Collection method: clinical testing. Allele origin: germline. Not counted in ClinVar's aggregate classification.

Literature cited by the submitters: PubMed 20104584 (cited by Labcorp Genetics (formerly Invitae), Labcorp); PubMed 21520333 (cited by Labcorp Genetics (formerly Invitae), Labcorp).

NM_007294.4(BRCA1):c.3571del (p.Ser1191fs)

Genes: BRCA1 (BRCA1 DNA repair associated; minus strand), LOC126862571 (BRD4-independent group 4 enhancer GRCh37_chr17:41243136-41244335; plus strand). Cytogenetic location: 17q21.31.
Variant type: Deletion.
Coding change: c.3571del on transcript NM_007294.4 (MANE Select); coding-DNA position 3571, one base deleted (A; older notation c.3571delA).
Protein change: p.Ser1191fs; shifts the reading frame from serine 1191.
Molecular consequence: frameshift variant. On other transcripts: intron variant (135).
Genome position (GRCh38, 1-based): chr17:43,091,960, T deleted on the plus strand (A on the coding strand, the reverse complement: BRCA1 is on the minus strand). VCF-style (leftmost placement, unchanged base first): chr17-43091959-CT-C. GRCh37 (hg19) VCF-style: chr17-41243976-CT-C.
Other names: 3690delA; c.3493del, p.Ser1165fs (NM_001407656.1, NM_001407657.1, NM_001407658.1 and 4 more transcripts); c.3490del, p.Ser1164fs (NM_001407659.1, NM_001407660.1, NM_001407661.1 and 1 more transcripts); c.3448del, p.Ser1150fs (NM_001407664.1, NM_001407665.1, NM_001407666.1 and 19 more transcripts); c.3445del, p.Ser1149fs (NM_001407670.1, NM_001407671.1, NM_001407672.1 and 11 more transcripts); c.3571del, p.Ser1191fs (NM_001407684.1, NM_001407854.1, NM_001407858.1 and 30 more transcripts); c.3430del, p.Ser1144fs (NM_001407692.1, NM_001407694.1, NM_001407695.1 and 29 more transcripts); c.3427del, p.Ser1143fs (NM_001407740.1, NM_001407741.1, NM_001407742.1 and 20 more transcripts); and 42 more; short protein forms S1191fs, S1144fs, S1064fs, S1102fs, S1164fs, S1188fs, S1023fs, S1063fs.
Identifiers: ClinVar variation 266386 (VCV000266386.12), dbSNP rs886040145, ClinGen allele CA10589739.